The following is an entry in ClinVar:

NM_000179.3(MSH6):c.1418T>G (p.Leu473Arg)

Gene: MSH6 (mutS homolog 6; plus strand). Cytogenetic location: 2p16.3.
Variant type: single nucleotide variant.
Coding change: c.1418T>G on transcript NM_000179.3 (MANE Select); coding-DNA position 1418, T replaced by G.
Protein change: p.Leu473Arg; replaces leucine 473 with arginine.
Molecular consequence: missense variant.
Genome position (GRCh38, 1-based): chr2:47,799,401, T>G. VCF-style: chr2-47799401-T-G. GRCh37 (hg19) VCF-style: chr2-48026540-T-G.
Other names: c.1028T>G, p.Leu343Arg (NM_001281492.2); c.512T>G, p.Leu171Arg (NM_001281493.2, NM_001281494.2, NM_001406811.1 and 6 more transcripts); c.1514T>G, p.Leu505Arg (NM_001406795.1, NM_001406802.1); c.1418T>G, p.Leu473Arg (NM_001406796.1, NM_001406798.1, NM_001406800.1 and 4 more transcripts); c.1121T>G, p.Leu374Arg (NM_001406797.1, NM_001406801.1, NM_001406805.1 and 10 more transcripts); c.893T>G, p.Leu298Arg (NM_001406799.1, NM_001406806.1, NM_001406807.1); c.1340T>G, p.Leu447Arg (NM_001406804.1); c.1424T>G, p.Leu475Arg (NM_001406813.1); and 1 more; short protein forms L171R, L343R, L417R, L473R, L505R, L447R, L475R, L298R.
Identifiers: ClinVar variation 1772183 (VCV001772183.2), dbSNP rs1553412831, ClinGen allele CA346745348.

ClinVar aggregate classification (germline): Uncertain significance (1 of 4 stars; one submission).

Conditions:
Hereditary cancer-predisposing syndrome. Also called: Hereditary Cancer Syndrome; Hereditary neoplastic syndrome; Neoplastic Syndromes, Hereditary; Tumor predisposition. Identifiers: Orphanet 140162, MedGen C0027672, MeSH D009386, MONDO:0015356.

Submission:

Ambry Genetics
Classification: Uncertain significance for Hereditary cancer-predisposing syndrome. Last evaluated: 2019-06-11. Review status: criteria provided, single submitter. Criteria: Ambry Variant Classification Scheme 2023. Collection method: clinical testing. Allele origin: germline.
Comment: The p.L473R variant (also known as c.1418T>G), located in coding exon 4 of the MSH6 gene, results from a T to G substitution at nucleotide position 1418. The leucine at codon 473 is replaced by arginine, an amino acid with dissimilar properties. This amino acid position is highly conserved in available vertebrate species. In addition, this alteration is predicted to be deleterious by in silico analysis. In addition, the CoDP in silico tool predicts this alteration to have likely impact on molecular function, with a score of 0.994 (Terui H et al. J. Biomed. Sci. 2013 Apr;20:25). Since supporting evidence is limited at this time, the clinical significance of this alteration remains unclear.